The following is an entry in ClinVar:

NM_024009.3(GJB3):c.110T>A (p.Val37Glu)

Gene: GJB3 (gap junction protein beta 3; plus strand). Cytogenetic location: 1p34.3.
Variant type: single nucleotide variant.
Coding change: c.110T>A on transcript NM_024009.3 (MANE Select); coding-DNA position 110, T replaced by A.
Protein change: p.Val37Glu; replaces valine 37 with glutamic acid.
Molecular consequence: missense variant.
Genome position (GRCh38, 1-based): chr1:34,784,872, T>A. VCF-style: chr1-34784872-T-A. GRCh37 (hg19) VCF-style: chr1-35250473-T-A.
Other names: c.110T>A, p.Val37Glu (NM_001005752.2); short protein forms V37E.
Identifiers: ClinVar variation 421156 (VCV000421156.2), dbSNP rs1064794946, ClinGen allele CA16617140.

ClinVar aggregate classification (germline): Likely pathogenic (1 of 4 stars; one submission).

Submission:

GeneDx
Classification: Likely pathogenic. Last evaluated: 2017-10-31. Review status: criteria provided, single submitter. Criteria: GeneDx Variant Classification (06012015). Collection method: clinical testing. Allele origin: germline. Affected: yes.
Comment: The V37E variant has not been published as a pathogenic variant, nor has it been reported as a benign variant to our knowledge. It was not observed in approximately 6,500 individuals of European and African American ancestry in the NHLBI Exome Sequencing Project, indicating it is not a common benign variant in these populations. The V37E variant is a non-conservative amino acid substitution, which is likely to impact secondary protein structure as these residues differ in polarity, charge, size and/or other properties. This substitution occurs at a position that is conserved across species and in silico analysis predicts this variant is probably damaging to the protein structure/function. Missense variants in nearby residues (L34P, R42P) have been reported in the Human Gene Mutation Database in association with EKV (Stenson et al., 2014), supporting the functional importance of this region of the protein. In addition, the GJB3 gene has a low rate of benign missense variation, with missense changes being a common mechanism of disease. Therefore, this variant is likely pathogenic; however, the possibility that it is benign cannot be excluded.